The following is an entry in ClinVar:

NM_015041.3(CLUAP1):c.517G>C (p.Ala173Pro)

Gene: CLUAP1 (clusterin associated protein 1; plus strand). Cytogenetic location: 16p13.3.
Variant type: single nucleotide variant.
Coding change: c.517G>C on transcript NM_015041.3 (MANE Select); coding-DNA position 517, G replaced by C.
Protein change: p.Ala173Pro; replaces alanine 173 with proline.
Molecular consequence: missense variant.
Genome position (GRCh38, 1-based): chr16:3,515,529, G>C. VCF-style: chr16-3515529-G-C. GRCh37 (hg19) VCF-style: chr16-3565529-G-C.
Other names: c.517G>C, p.Ala173Pro (NM_001330454.2); c.19G>C, p.Ala7Pro (NM_024793.3); short protein forms A173P, A7P.
Identifiers: ClinVar variation 2110768 (VCV002110768.4), dbSNP rs757602852, ClinGen allele CA7863765.

ClinVar aggregate classification (germline): Uncertain significance (1 of 4 stars; one submission).

Allele frequency attached by ClinVar (database versions not stated): ExAC 0.00001.

Submission:

Labcorp Genetics (formerly Invitae), Labcorp
Classification: Uncertain significance. Last evaluated: 2022-03-13. Review status: criteria provided, single submitter. Criteria: Invitae Variant Classification Sherloc (09022015). Collection method: clinical testing. Allele origin: germline.
Comment: In summary, the available evidence is currently insufficient to determine the role of this variant in disease. Therefore, it has been classified as a Variant of Uncertain Significance. Algorithms developed to predict the effect of missense changes on protein structure and function are either unavailable or do not agree on the potential impact of this missense change (SIFT: "Tolerated"; PolyPhen-2: "Probably Damaging"; Align-GVGD: "Class C0"). This variant has not been reported in the literature in individuals affected with CLUAP1-related conditions. This variant is present in population databases (rs757602852, gnomAD 0.006%). This sequence change replaces alanine, which is neutral and non-polar, with proline, which is neutral and non-polar, at codon 173 of the CLUAP1 protein (p.Ala173Pro).